The following is an entry in ClinVar:

ClinVar aggregate classification (germline): Uncertain significance (1 of 4 stars; one submission).

Conditions:
Arrhythmogenic right ventricular dysplasia 12. Also called: ARRHYTHMOGENIC RIGHT VENTRICULAR DYSPLASIA, FAMILIAL, 12. Identifiers: MedGen C1969081, MONDO:0012684, OMIM 611528.
Naxos disease (NXD). Also called: MAL DE NAXOS; PALMOPLANTAR KERATODERMA WITH ARRHYTHMOGENIC RIGHT VENTRICULAR CARDIOMYOPATHY AND WOOLLY HAIR; WOOLLY HAIR, PALMOPLANTAR KERATODERMA, AND CARDIAC ABNORMALITIES; KERATOSIS PALMOPLANTARIS WITH ARRHYTHMOGENIC CARDIOMYOPATHY; CARDIOMYOPATHY, ARRHYTHMOGENIC RIGHT VENTRICULAR, WITH SKIN, HAIR, AND NAIL ABNORMALITIES. Identifiers: Orphanet 34217, MedGen C1832600, MONDO:0011017, OMIM 601214.

Allele frequency attached by ClinVar (database versions not stated): gnomAD 0.00001 and 0.00002; gnomAD exomes 0.00001; TOPMed 0.00001; ExAC 0.00003; 1000 Genomes Project 30x 0.00016; 1000 Genomes Project 0.00020.
gnomAD v4.1: 19 of 1,605,472 alleles (0.0012%); highest among the groups gnomAD compares: East Asian, 0.0022%; no homozygotes.

Submission:

Labcorp Genetics (formerly Invitae), Labcorp
Classification: Uncertain significance for Arrhythmogenic right ventricular dysplasia 12; Naxos disease. Last evaluated: 2026-02-03. Review status: criteria provided, single submitter. Criteria: Invitae Variant Classification Sherloc (09022015). Collection method: clinical testing. Allele origin: germline.
Comment: This sequence change replaces arginine, which is basic and polar, with cysteine, which is neutral and slightly polar, at codon 233 of the JUP protein (p.Arg233Cys). The frequency data for this variant in the population databases is considered unreliable, as metrics indicate poor data quality at this position in the gnomAD database. This missense change has been observed in individual(s) with left ventricular noncompaction (PMID: 28798025). ClinVar contains an entry for this variant (Variation ID: 946430). An algorithm developed to predict the effect of missense changes on protein structure and function (PolyPhen-2) suggests that this variant is likely to be disruptive. In summary, the available evidence is currently insufficient to determine the role of this variant in disease. Therefore, it has been classified as a Variant of Uncertain Significance.

Literature cited by the submitters: PubMed 28798025.

NM_002230.4(JUP):c.697C>T (p.Arg233Cys)

Gene: JUP (junction plakoglobin; minus strand). Cytogenetic location: 17q21.2.
Variant type: single nucleotide variant.
Coding change: c.697C>T on transcript NM_002230.4 (MANE Select); coding-DNA position 697, C replaced by T.
Protein change: p.Arg233Cys; replaces arginine 233 with cysteine.
Molecular consequence: missense variant.
Genome position (GRCh38, 1-based): chr17:41,768,979, G>A on the plus strand (C>T on the coding strand, the complement: JUP is on the minus strand). VCF-style: chr17-41768979-G-A. GRCh37 (hg19) VCF-style: chr17-39925231-G-A.
Other names: c.697C>T, p.Arg233Cys (NM_001352773.2, NM_001352774.2, NM_001352775.2 and 3 more transcripts); short protein forms R233C.
Identifiers: ClinVar variation 946430 (VCV000946430.7), dbSNP rs529126058, ClinGen allele CA8565411.